The following is an entry in ClinVar:

ClinVar aggregate classification (germline): Uncertain significance (1 of 4 stars; one submission).

gnomAD v4.1: 3 of 1,183,766 alleles (0.00025%); highest among the groups gnomAD compares: Non-Finnish European, 0.00034%; no homozygotes.

Submission:

GeneDx
Classification: Uncertain significance. Last evaluated: 2025-05-19. Review status: criteria provided, single submitter. Criteria: GeneDx Variant Classification Process June 2021. Collection method: clinical testing. Allele origin: germline. Affected: yes.
Comment: Not observed at significant frequency in large population cohorts (gnomAD); In silico analysis supports that this missense variant has a deleterious effect on protein structure/function; Has not been previously published as pathogenic or benign to our knowledge

NM_014370.4(SRPK3):c.667G>T (p.Gly223Trp)

Gene: SRPK3 (SRSF protein kinase 3; plus strand). Cytogenetic location: Xq28.
Variant type: single nucleotide variant.
Coding change: c.667G>T on transcript NM_014370.4 (MANE Select); coding-DNA position 667, G replaced by T.
Protein change: p.Gly223Trp; replaces glycine 223 with tryptophan.
Molecular consequence: missense variant.
Genome position (GRCh38, 1-based): chrX:153,783,037, G>T. VCF-style: chrX-153783037-G-T. GRCh37 (hg19) VCF-style: chrX-153048492-G-T.
Other names: c.667G>T, p.Gly223Trp (NM_001170760.2, NM_001170761.2); short protein forms G223W.
Identifiers: ClinVar variation 4530891 (VCV004530891.1).